The following is an entry in ClinVar:

ClinVar aggregate classification (germline): Uncertain significance (1 of 4 stars; one submission).

gnomAD v4.1: 21 of 1,614,112 alleles (0.0013%); highest among the groups gnomAD compares: Non-Finnish European, 0.0014%; no homozygotes.

Submission:

Mayo Clinic Laboratories, Mayo Clinic
Classification: Uncertain significance. Last evaluated: 2025-04-21. Review status: criteria provided, single submitter. Criteria: ACMG Guidelines, 2015. Collection method: clinical testing. Allele origin: germline. Observed: 1 variant allele.
Comment: BP4_moderate, PM2_supporting

NM_015346.4(ZFYVE26):c.5084C>T (p.Thr1695Ile)

Gene: ZFYVE26 (zinc finger FYVE-type containing 26; minus strand). Cytogenetic location: 14q24.1.
Variant type: single nucleotide variant.
Coding change: c.5084C>T on transcript NM_015346.4 (MANE Select); coding-DNA position 5084, C replaced by T.
Protein change: p.Thr1695Ile; replaces threonine 1695 with isoleucine.
Molecular consequence: missense variant.
Genome position (GRCh38, 1-based): chr14:67,775,997, G>A on the plus strand (C>T on the coding strand, the complement: ZFYVE26 is on the minus strand). VCF-style: chr14-67775997-G-A. GRCh37 (hg19) VCF-style: chr14-68242714-G-A.
Other names: p.Thr1695Ile; short protein forms T1695I.
Identifiers: ClinVar variation 4541871 (VCV004541871.1).